The following is an entry in ClinVar:

NM_004006.3(DMD):c.4205A>G (p.Asp1402Gly)

Gene: DMD (dystrophin; minus strand). Cytogenetic location: Xp21.1.
Variant type: single nucleotide variant.
Coding change: c.4205A>G on transcript NM_004006.3 (MANE Select); coding-DNA position 4205, A replaced by G.
Protein change: p.Asp1402Gly; replaces aspartic acid 1402 with glycine.
Molecular consequence: missense variant.
Genome position (GRCh38, 1-based): chrX:32,411,780, T>C on the plus strand (A>G on the coding strand, the complement: DMD is on the minus strand). VCF-style: chrX-32411780-T-C. GRCh37 (hg19) VCF-style: chrX-32429897-T-C.
Other names: c.4181A>G, p.Asp1394Gly (NM_000109.4); c.4193A>G, p.Asp1398Gly (NM_004009.3); c.3836A>G, p.Asp1279Gly (NM_004010.3); c.182A>G, p.Asp61Gly (NM_004011.4); c.173A>G, p.Asp58Gly (NM_004012.4); short protein forms D1402G, D1398G, D58G, D1279G, D1394G, D61G.
Identifiers: ClinVar variation 225070 (VCV000225070.8), dbSNP rs377043643, ClinGen allele CA358162.

ClinVar aggregate classification (germline): Uncertain significance. Review status: criteria provided, multiple submitters, no conflicts (2 of 4 stars). 3 submissions from 3 submitters: Uncertain significance (2). 1 of the submissions does not count toward it. Last evaluated 2025-06-09.

Conditions:
Cardiomyopathy (CMYO). Also called: Cardiomyopathies. Identifiers: Orphanet 167848, MedGen C0878544, MONDO:0004994, HP:0001638. Inheritance: Various modes of inheritance.
Duchenne muscular dystrophy (DMD). Also called: MUSCULAR DYSTROPHY, PSEUDOHYPERTROPHIC PROGRESSIVE, DUCHENNE TYPE; Duchenne Muscular Dystrophy (DMD). Identifiers: Orphanet 98896, MedGen C0013264, MONDO:0010679, OMIM 310200.
Becker muscular dystrophy (BMD). Also called: Becker Muscular Dystrophy (BMD); MUSCULAR DYSTROPHY, PSEUDOHYPERTROPHIC PROGRESSIVE, BECKER TYPE. Identifiers: Orphanet 98895, MedGen C0917713, MONDO:0010311, OMIM 300376.
Dystrophin deficiency.
Inborn genetic diseases. Identifiers: MedGen C0950123, MeSH D030342.

Allele frequency attached by ClinVar (database versions not stated): gnomAD exomes below 0.00001; TOPMed 0.00003; gnomAD 0.00004; ESP Exome Variant Server 0.00009.
gnomAD v4.1: 5 of 1,209,504 alleles (0.00041%); highest among the groups gnomAD compares: African/African-American, 0.007%; no homozygotes.

Submissions (3):

Labcorp Genetics (formerly Invitae), Labcorp
Classification: Uncertain significance for Duchenne muscular dystrophy. Last evaluated: 2025-06-09. Review status: criteria provided, single submitter. Criteria: Invitae Variant Classification Sherloc (09022015). Collection method: clinical testing. Allele origin: germline.
Comment: This sequence change replaces aspartic acid, which is acidic and polar, with glycine, which is neutral and non-polar, at codon 1402 of the DMD protein (p.Asp1402Gly). This variant is not present in population databases (gnomAD no frequency). This variant has not been reported in the literature in individuals affected with DMD-related conditions. ClinVar contains an entry for this variant (Variation ID: 225070). Invitae Evidence Modeling of protein sequence and biophysical properties (such as structural, functional, and spatial information, amino acid conservation, physicochemical variation, residue mobility, and thermodynamic stability) indicates that this missense variant is not expected to disrupt DMD protein function with a negative predictive value of 95%. In summary, the available evidence is currently insufficient to determine the role of this variant in disease. Therefore, it has been classified as a Variant of Uncertain Significance.

Ambry Genetics
Classification: Uncertain significance for Inborn genetic diseases. Last evaluated: 2013-08-08. Review status: criteria provided, single submitter. Criteria: Ambry Autosomal Dominant and X-Linked criteria (10/2015). Collection method: clinical testing. Allele origin: germline. Observed: 1 variant allele.
Comment: There is insufficient or conflicting evidence for classification of this alteration.

Natera, Inc.
Classification: Uncertain significance for Becker muscular dystrophy; Cardiomyopathy; Duchenne muscular dystrophy; Dystrophin deficiency. Last evaluated: 2020-06-22. Review status: no assertion criteria provided. Collection method: clinical testing. Allele origin: germline. Not counted in ClinVar's aggregate classification.